The following is an entry in ClinVar:

NM_001364905.1(LRBA):c.6037G>A (p.Val2013Met)

Gene: LRBA (LPS responsive beige-like anchor protein; minus strand). Cytogenetic location: 4q31.3.
Variant type: single nucleotide variant.
Coding change: c.6037G>A on transcript NM_001364905.1 (MANE Select); coding-DNA position 6037, G replaced by A.
Protein change: p.Val2013Met; replaces valine 2013 with methionine.
Molecular consequence: missense variant.
Genome position (GRCh38, 1-based): chr4:150,599,016, C>T on the plus strand (G>A on the coding strand, the complement: LRBA is on the minus strand). VCF-style: chr4-150599016-C-T. GRCh37 (hg19) VCF-style: chr4-151520168-C-T.
Other names: c.6037G>A, p.Val2013Met (NM_001199282.3, NM_001367550.1, NM_006726.5); short protein forms V2013M.
Identifiers: ClinVar variation 809690 (VCV000809690.43), dbSNP rs747204894, ClinGen allele CA3102277.

ClinVar aggregate classification (germline): Uncertain significance. Review status: criteria provided, multiple submitters, no conflicts (2 of 4 stars). 2 submissions from 2 submitters: Uncertain significance (2). Last evaluated 2025-02-09.

Conditions:
Combined immunodeficiency due to LRBA deficiency. Also called: Common variable immunodeficiency 8, with autoimmunity. Identifiers: Orphanet 445018, MedGen C3553512, MONDO:0013863, OMIM 614700.

Allele frequency attached by ClinVar (database versions not stated): TOPMed below 0.00001; gnomAD 0.00001; gnomAD exomes 0.00001; ExAC 0.00003.
gnomAD v4.1: 36 of 1,613,902 alleles (0.0022%); highest among the groups gnomAD compares: Middle Eastern, 0.016%; no homozygotes.

Submissions (2):

Labcorp Genetics (formerly Invitae), Labcorp
Classification: Uncertain significance for Combined immunodeficiency due to LRBA deficiency. Last evaluated: 2025-02-09. Review status: criteria provided, single submitter. Criteria: Invitae Variant Classification Sherloc (09022015). Collection method: clinical testing. Allele origin: germline.
Comment: This sequence change replaces valine, which is neutral and non-polar, with methionine, which is neutral and non-polar, at codon 2013 of the LRBA protein (p.Val2013Met). This variant is present in population databases (rs747204894, gnomAD 0.01%). This variant has not been reported in the literature in individuals affected with LRBA-related conditions. ClinVar contains an entry for this variant (Variation ID: 809690). Invitae Evidence Modeling of protein sequence and biophysical properties (such as structural, functional, and spatial information, amino acid conservation, physicochemical variation, residue mobility, and thermodynamic stability) indicates that this missense variant is not expected to disrupt LRBA protein function with a negative predictive value of 80%. In summary, the available evidence is currently insufficient to determine the role of this variant in disease. Therefore, it has been classified as a Variant of Uncertain Significance.

CeGaT Center for Human Genetics Tuebingen
Classification: Uncertain significance. Last evaluated: 2019-04-01. Review status: criteria provided, single submitter. Criteria: CeGaT Center For Human Genetics Tuebingen Variant Classification Criteria Version 2. Collection method: clinical testing. Allele origin: germline. Affected: yes. Observed: 1 variant allele.